The following is an entry in ClinVar:

ClinVar aggregate classification (germline): Conflicting classifications of pathogenicity. Review status: criteria provided, conflicting classifications (1 of 4 stars). 2 submissions from 2 submitters: Uncertain significance (1); Benign (1). Last evaluated 2024-06-17.

Allele frequency attached by ClinVar (database versions not stated): TOPMed below 0.00001.

Submissions (2):

GeneDx
Classification: Uncertain significance. Last evaluated: 2024-06-17. Review status: criteria provided, single submitter. Criteria: GeneDx Variant Classification Process June 2021. Collection method: clinical testing. Allele origin: germline. Affected: yes.
Comment: Not observed at significant frequency in large population cohorts (gnomAD); In silico analysis indicates that this missense variant does not alter protein structure/function; Has not been previously published as pathogenic or benign to our knowledge

Labcorp Genetics (formerly Invitae), Labcorp
Classification: Benign. Last evaluated: 2023-12-11. Review status: criteria provided, single submitter. Criteria: Invitae Variant Classification Sherloc (09022015). Collection method: clinical testing. Allele origin: germline.

NM_052876.4(NACC1):c.1574C>T (p.Ala525Val)

Gene: NACC1 (nucleus accumbens associated 1; plus strand). Cytogenetic location: 19p13.13.
Variant type: single nucleotide variant.
Coding change: c.1574C>T on transcript NM_052876.4 (MANE Select); coding-DNA position 1574, C replaced by T.
Protein change: p.Ala525Val; replaces alanine 525 with valine.
Molecular consequence: missense variant.
Genome position (GRCh38, 1-based): chr19:13,138,396, C>T. VCF-style: chr19-13138396-C-T. GRCh37 (hg19) VCF-style: chr19-13249210-C-T.
Other names: c.1574C>T (NM_052876.3); short protein forms A525V.
Identifiers: ClinVar variation 2802138 (VCV002802138.4), dbSNP rs2019737049, ClinGen allele CA404330409.